The following is an entry in ClinVar:

NM_017644.3(KLHL24):c.1316C>G (p.Pro439Arg)

Gene: KLHL24 (kelch like family member 24; plus strand). Cytogenetic location: 3q27.1.
Variant type: single nucleotide variant.
Coding change: c.1316C>G on transcript NM_017644.3 (MANE Select); coding-DNA position 1316, C replaced by G.
Protein change: p.Pro439Arg; replaces proline 439 with arginine.
Molecular consequence: missense variant. On other transcripts: non-coding transcript variant (2).
Genome position (GRCh38, 1-based): chr3:183,671,125, C>G. VCF-style: chr3-183671125-C-G. GRCh37 (hg19) VCF-style: chr3-183388913-C-G.
Other names: c.1391C>G, p.Pro464Arg (NM_001349413.1, NM_001349414.1, NM_001349415.1 and 3 more transcripts); c.1316C>G, p.Pro439Arg (NM_001349419.1, NM_001349420.1, NM_001349421.1 and 5 more transcripts); c.473C>G, p.Pro158Arg (NM_001349428.1, NM_001349429.1); short protein forms P158R, P464R, P439R.
Identifiers: ClinVar variation 4965148 (VCV004965148.2).

ClinVar aggregate classification (germline): Uncertain significance. Review status: criteria provided, multiple submitters, no conflicts (2 of 4 stars). 2 submissions from 2 submitters: Uncertain significance (2). Last evaluated 2026-03-23.

Conditions:
KLHL24-related disorder. Also called: KLHL24-related condition.

Submissions (2):

PreventionGenetics, part of Exact Sciences
Classification: Uncertain significance for KLHL24-related condition. Last evaluated: 2026-03-23. Review status: criteria provided, single submitter. Criteria: ACMG Guidelines, 2015. Collection method: clinical testing. Allele origin: germline.
Comment: The KLHL24 c.1316C>G variant is predicted to result in the amino acid substitution p.Pro439Arg. To our knowledge, this variant has not been reported in the literature. This variant is reported in 0.00088% of alleles in individuals of European (Non-Finnish) descent in gnomAD. At this time, the clinical significance of this variant is uncertain due to the absence of conclusive functional and genetic evidence.

Blueprint Genetics
Classification: Uncertain significance. Last evaluated: 2023-08-31. Review status: criteria provided, single submitter. Criteria: ACMG Guidelines, 2015. Collection method: clinical testing. Allele origin: germline.